The following is an entry in ClinVar:

NM_002972.4(SBF1):c.3956A>T (p.Asp1319Val)

Gene: SBF1 (SET binding factor 1; minus strand). Cytogenetic location: 22q13.33.
Variant type: single nucleotide variant.
Coding change: c.3956A>T on transcript NM_002972.4 (MANE Select); coding-DNA position 3956, A replaced by T.
Protein change: p.Asp1319Val; replaces aspartic acid 1319 with valine.
Molecular consequence: missense variant.
Genome position (GRCh38, 1-based): chr22:50,456,622, T>A on the plus strand (A>T on the coding strand, the complement: SBF1 is on the minus strand). VCF-style: chr22-50456622-T-A. GRCh37 (hg19) VCF-style: chr22-50895051-T-A.
Other names: c.3956A>T (NM_002972.2); c.3881A>T, p.Asp1294Val (NM_001365819.1); c.3959A>T, p.Asp1320Val (NM_001410794.1); c.3878A>T, p.Asp1293Val (NM_001410795.1); c.3956A>T, p.Asp1319Val (NM_197971.1); short protein forms D1320V, D1293V, D1294V, D1319V.
Identifiers: ClinVar variation 1939454 (VCV001939454.5), dbSNP rs761814921, ClinGen allele CA10316461.

ClinVar aggregate classification (germline): Uncertain significance. Review status: criteria provided, multiple submitters, no conflicts (2 of 4 stars). 2 submissions from 2 submitters: Uncertain significance (2). Last evaluated 2025-12-09.

Allele frequency attached by ClinVar (database versions not stated): gnomAD 0.00003; TOPMed 0.00004; ExAC 0.00011; gnomAD exomes 0.00001.
gnomAD v4.1: 15 of 1,518,370 alleles (0.00099%); highest among the groups gnomAD compares: East Asian, 0.03%; no homozygotes.

Submissions (2):

Ambry Genetics
Classification: Uncertain significance. Last evaluated: 2025-12-09. Review status: criteria provided, single submitter. Criteria: Ambry Variant Classification Scheme 2023. Collection method: clinical testing. Allele origin: germline.

Labcorp Genetics (formerly Invitae), Labcorp
Classification: Uncertain significance. Last evaluated: 2022-03-23. Review status: criteria provided, single submitter. Criteria: Invitae Variant Classification Sherloc (09022015). Collection method: clinical testing. Allele origin: germline.
Comment: This sequence change replaces aspartic acid, which is acidic and polar, with valine, which is neutral and non-polar, at codon 1319 of the SBF1 protein (p.Asp1319Val). This variant is present in population databases (rs761814921, gnomAD 0.09%). This variant has not been reported in the literature in individuals affected with SBF1-related conditions. Algorithms developed to predict the effect of missense changes on protein structure and function are either unavailable or do not agree on the potential impact of this missense change (SIFT: "Deleterious"; PolyPhen-2: "Benign"; Align-GVGD: "Class C0"). In summary, the available evidence is currently insufficient to determine the role of this variant in disease. Therefore, it has been classified as a Variant of Uncertain Significance.